The following is an entry in ClinVar:

NM_177438.3(DICER1):c.1212A>T (p.Arg404Ser)

Gene: DICER1 (dicer 1, ribonuclease III; minus strand). Cytogenetic location: 14q32.13.
Variant type: single nucleotide variant.
Coding change: c.1212A>T on transcript NM_177438.3 (MANE Select); coding-DNA position 1212, A replaced by T.
Protein change: p.Arg404Ser; replaces arginine 404 with serine.
Molecular consequence: missense variant. On other transcripts: 5 prime UTR variant (1), non-coding transcript variant (6).
Genome position (GRCh38, 1-based): chr14:95,124,360, T>A on the plus strand (A>T on the coding strand, the complement: DICER1 is on the minus strand). VCF-style: chr14-95124360-T-A. GRCh37 (hg19) VCF-style: chr14-95590697-T-A.
Other names: c.1212A>T, p.Arg404Ser (NM_001195573.1, NM_001271282.3, NM_001291628.2 and 15 more transcripts); c.930A>T, p.Arg310Ser (NM_001395686.1); c.807A>T, p.Arg269Ser (NM_001395687.1, NM_001395688.1, NM_001395689.1 and 3 more transcripts); c.645A>T, p.Arg215Ser (NM_001395691.1); c.-357A>T (NM_001395697.1); short protein forms R215S, R269S, R310S, R404S.
Identifiers: ClinVar variation 1999265 (VCV001999265.5), dbSNP rs1433449266, ClinGen allele CA390886675.

ClinVar aggregate classification (germline): Uncertain significance. Review status: criteria provided, multiple submitters, no conflicts (2 of 4 stars). 2 submissions from 2 submitters: Uncertain significance (2). Last evaluated 2026-07-06.

Conditions:
DICER1-related tumor predisposition. Also called: DICER1-related pleuropulmonary blastoma cancer predisposition syndrome; DICER1 syndrome. Identifiers: Orphanet 284343, MedGen C3839822, MONDO:0100216.
Hereditary cancer-predisposing syndrome. Also called: Hereditary neoplastic syndrome; Neoplastic Syndromes, Hereditary; Tumor predisposition; Hereditary Cancer Syndrome. Identifiers: Orphanet 140162, MedGen C0027672, MeSH D009386, MONDO:0015356.

Submissions (2):

Ambry Genetics
Classification: Uncertain significance for Hereditary cancer-predisposing syndrome. Last evaluated: 2026-07-06. Review status: criteria provided, single submitter. Criteria: Ambry Variant Classification Scheme 2023. Collection method: clinical testing. Allele origin: germline.
Comment: The p.R404S variant (also known as c.1212A>T), located in coding exon 7 of the DICER1 gene, results from an A to T substitution at nucleotide position 1212. The arginine at codon 404 is replaced by serine, an amino acid with dissimilar properties. This amino acid position is conserved. In addition, the in silico prediction for this alteration is inconclusive. Based on the available evidence, the clinical significance of this variant remains unclear.

Labcorp Genetics (formerly Invitae), Labcorp
Classification: Uncertain significance for DICER1-related tumor predisposition. Last evaluated: 2024-04-08. Review status: criteria provided, single submitter. Criteria: Invitae Variant Classification Sherloc (09022015). Collection method: clinical testing. Allele origin: germline.
Comment: This sequence change replaces arginine, which is basic and polar, with serine, which is neutral and polar, at codon 404 of the DICER1 protein (p.Arg404Ser). This variant is not present in population databases (gnomAD no frequency). This variant has not been reported in the literature in individuals affected with DICER1-related conditions. ClinVar contains an entry for this variant (Variation ID: 1999265). An algorithm developed to predict the effect of missense changes on protein structure and function (PolyPhen-2) suggests that this variant is likely to be disruptive. In summary, the available evidence is currently insufficient to determine the role of this variant in disease. Therefore, it has been classified as a Variant of Uncertain Significance.